The following is an entry in ClinVar:

ClinVar aggregate classification (germline): Pathogenic (1 of 4 stars; one submission).

Submission:

Labcorp Genetics (formerly Invitae), Labcorp
Classification: Pathogenic. Last evaluated: 2023-02-13. Review status: criteria provided, single submitter. Criteria: Invitae Variant Classification Sherloc (09022015). Collection method: clinical testing. Allele origin: germline.
Comment: For these reasons, this variant has been classified as Pathogenic. This variant has not been reported in the literature in individuals affected with IGF1R-related conditions. This variant is not present in population databases (gnomAD no frequency). This sequence change creates a premature translational stop signal (p.Glu50*) in the IGF1R gene. It is expected to result in an absent or disrupted protein product. Loss-of-function variants in IGF1R are known to be pathogenic (PMID: 14657428).

Literature cited by the submitters: PubMed 14657428.

NM_000875.5(IGF1R):c.148G>T (p.Glu50Ter)

Gene: IGF1R (insulin like growth factor 1 receptor; plus strand). Cytogenetic location: 15q26.3.
Variant type: single nucleotide variant.
Coding change: c.148G>T on transcript NM_000875.5 (MANE Select); coding-DNA position 148, G replaced by T.
Protein change: p.Glu50Ter; replaces glutamic acid 50 with a stop codon.
Molecular consequence: nonsense.
Genome position (GRCh38, 1-based): chr15:98,707,615, G>T. VCF-style: chr15-98707615-G-T. GRCh37 (hg19) VCF-style: chr15-99250844-G-T.
Other names: c.148G>T, p.Glu50Ter (NM_001291858.2); short protein forms E50*.
Identifiers: ClinVar variation 2836667 (VCV002836667.3), dbSNP rs2505514642, ClinGen allele CA393696636.